The following is an entry in ClinVar:

NM_000222.3(KIT):c.1790C>T (p.Ala597Val)

Gene: KIT (KIT proto-oncogene, receptor tyrosine kinase; plus strand). Cytogenetic location: 4q12.
Variant type: single nucleotide variant.
Coding change: c.1790C>T on transcript NM_000222.3 (MANE Select); coding-DNA position 1790, C replaced by T.
Protein change: p.Ala597Val; replaces alanine 597 with valine.
Molecular consequence: missense variant.
Genome position (GRCh38, 1-based): chr4:54,727,838, C>T. VCF-style: chr4-54727838-C-T. GRCh37 (hg19) VCF-style: chr4-55594004-C-T.
Other names: c.1778C>T, p.Ala593Val (NM_001093772.2, NM_001385286.1); c.1793C>T, p.Ala598Val (NM_001385284.1, NM_001385290.1); c.1790C>T, p.Ala597Val (NM_001385285.1); c.1781C>T, p.Ala594Val (NM_001385288.1, NM_001385292.1); short protein forms A593V, A598V, A594V, A597V.
Identifiers: ClinVar variation 2625013 (VCV002625013.2), dbSNP rs2109779389, ClinGen allele CA356907874.

ClinVar aggregate classification (germline): Uncertain significance (1 of 4 stars; one submission).

Conditions:
Hereditary cancer-predisposing syndrome. Also called: Tumor predisposition; Hereditary Cancer Syndrome; Hereditary neoplastic syndrome; Neoplastic Syndromes, Hereditary. Identifiers: Orphanet 140162, MedGen C0027672, MeSH D009386, MONDO:0015356.

Allele frequency attached by ClinVar (database versions not stated): gnomAD exomes below 0.00001.
gnomAD v4.1: 1 of 1,612,842 alleles (0.000062%); highest among the groups gnomAD compares: East Asian, 0.0022%; no homozygotes.

Submission:

Ambry Genetics
Classification: Uncertain significance for Hereditary cancer-predisposing syndrome. Last evaluated: 2023-09-07. Review status: criteria provided, single submitter. Criteria: Ambry Variant Classification Scheme 2023. Collection method: clinical testing. Allele origin: germline.
Comment: The p.A597V variant (also known as c.1790C>T), located in coding exon 12 of the KIT gene, results from a C to T substitution at nucleotide position 1790. The alanine at codon 597 is replaced by valine, an amino acid with similar properties. This amino acid position is conserved. In addition, the in silico prediction for this alteration is inconclusive. Since supporting evidence is limited at this time, the clinical significance of this alteration remains unclear.